The following is an entry in ClinVar:

ClinVar aggregate classification (germline): Conflicting classifications of pathogenicity. Review status: criteria provided, conflicting classifications (1 of 4 stars). 2 submissions from 2 submitters: Likely pathogenic (1); Uncertain significance (1). Last evaluated 2026-01-14.

Conditions:
Mucopolysaccharidosis, MPS-III-B (MPS3B). Also called: MPS IIIB (Sanfilippo Syndrome Type B); MUCOPOLYSACCHARIDOSIS, TYPE IIIB; Mucopolysaccharidosis type IIIB (Sanfilippo B); N-ACETYL-ALPHA-D-GLUCOSAMINIDASE DEFICIENCY; NAGLU DEFICIENCY; SANFILIPPO SYNDROME B. Identifiers: Orphanet 79270, MedGen C0086648, MONDO:0009656, OMIM 252920.
Charcot-Marie-Tooth disease axonal type 2V. Also called: CHARCOT-MARIE-TOOTH NEUROPATHY, TYPE 2V; CHARCOT-MARIE-TOOTH DISEASE, AXONAL, AUTOSOMAL DOMINANT, TYPE 2V. Identifiers: Orphanet 447964, MedGen C5569050, MONDO:0014665, OMIM 616491.

Allele frequency attached by ClinVar (database versions not stated): TOPMed 0.00003; gnomAD 0.00004; gnomAD exomes below 0.00001.

Submissions (2):

Myriad Genetics, Inc.
Classification: Uncertain significance for Mucopolysaccharidosis, MPS-III-B. Last evaluated: 2026-01-14. Review status: criteria provided, single submitter. Criteria: Myriad Autosomal Dominant, Autosomal Recessive and X-Linked Classification Criteria (2023). Collection method: clinical testing. Allele origin: unknown.
Comment: NM_000263.3(NAGLU):c.104T>C(L35P) is a missense variant classified as a variant of uncertain significance in the context of mucopolysaccharidosis type IIIB. L35P has been observed in a case with relevant disease (PMID: 29661560). Relevant functional assessments of this variant are not available in the literature. L35P has not been observed in referenced population frequency databases. In summary, there is insufficient evidence to classify NM_000263.3(NAGLU):c.104T>C(L35P) as pathogenic or benign. Please note: this variant was assessed in the context of healthy population screening.

Labcorp Genetics (formerly Invitae), Labcorp
Classification: Likely pathogenic for Charcot-Marie-Tooth disease axonal type 2V; Mucopolysaccharidosis, MPS-III-B. Last evaluated: 2026-01-13. Review status: criteria provided, single submitter. Criteria: Invitae Variant Classification Sherloc (09022015). Collection method: clinical testing. Allele origin: germline.
Comment: This sequence change replaces leucine, which is neutral and non-polar, with proline, which is neutral and non-polar, at codon 35 of the NAGLU protein (p.Leu35Pro). This variant is present in population databases (no rsID available, gnomAD 0.01%). This missense change has been observed in individual(s) with MPS III (internal data). ClinVar contains an entry for this variant (Variation ID: 1008207). Invitae Evidence Modeling of protein sequence and biophysical properties (such as structural, functional, and spatial information, amino acid conservation, physicochemical variation, residue mobility, and thermodynamic stability) indicates that this missense variant is expected to disrupt NAGLU protein function with a positive predictive value of 95%. This variant disrupts the p.Leu35 amino acid residue in NAGLU. Other variant(s) that disrupt this residue have been observed in individuals with NAGLU-related conditions (PMID: 11153910), which suggests that this may be a clinically significant amino acid residue. In summary, the currently available evidence indicates that the variant is pathogenic, but additional data are needed to prove that conclusively. Therefore, this variant has been classified as Likely Pathogenic.

Literature cited by the submitters: PubMed 29661560 (cited by Myriad Genetics, Inc.); PubMed 11153910 (cited by Labcorp Genetics (formerly Invitae), Labcorp).

NM_000263.4(NAGLU):c.104T>C (p.Leu35Pro)

Genes: NAGLU (N-acetyl-alpha-glucosaminidase; plus strand), LOC130060903 (ATAC-STARR-seq lymphoblastoid silent region 8533; plus strand). Cytogenetic location: 17q21.2.
Variant type: single nucleotide variant.
Coding change: c.104T>C on transcript NM_000263.4 (MANE Select); coding-DNA position 104, T replaced by C.
Protein change: p.Leu35Pro; replaces leucine 35 with proline.
Molecular consequence: missense variant.
Genome position (GRCh38, 1-based): chr17:42,536,376, T>C. VCF-style: chr17-42536376-T-C. GRCh37 (hg19) VCF-style: chr17-40688394-T-C.
Other names: short protein forms L35P.
Identifiers: ClinVar variation 1008207 (VCV001008207.10), dbSNP rs1246249632, ClinGen allele CA399595319.